The following is an entry in ClinVar:

ClinVar aggregate classification (germline): Uncertain significance (1 of 4 stars; one submission).

Conditions:
DOCK2 deficiency. Also called: Immunodeficiency 40. Identifiers: Orphanet 447737, MedGen C4225328, MONDO:0014637, OMIM 616433.

Allele frequency attached by ClinVar (database versions not stated): TOPMed below 0.00001; gnomAD exomes 0.00001 and 0.00002; ExAC 0.00002; gnomAD 0.00004.
gnomAD v4.1: 19 of 1,614,082 alleles (0.0012%); highest among the groups gnomAD compares: African/African-American, 0.008%; no homozygotes.

Submission:

Labcorp Genetics (formerly Invitae), Labcorp
Classification: Uncertain significance for DOCK2 deficiency. Last evaluated: 2022-08-19. Review status: criteria provided, single submitter. Criteria: Invitae Variant Classification Sherloc (09022015). Collection method: clinical testing. Allele origin: germline.
Comment: This sequence change replaces alanine, which is neutral and non-polar, with threonine, which is neutral and polar, at codon 1050 of the DOCK2 protein (p.Ala1050Thr). This variant is present in population databases (rs529505036, gnomAD 0.01%). This variant has not been reported in the literature in individuals affected with DOCK2-related conditions. ClinVar contains an entry for this variant (Variation ID: 847732). Algorithms developed to predict the effect of missense changes on protein structure and function (SIFT, PolyPhen-2, Align-GVGD) all suggest that this variant is likely to be tolerated. In summary, the available evidence is currently insufficient to determine the role of this variant in disease. Therefore, it has been classified as a Variant of Uncertain Significance.

NM_004946.3(DOCK2):c.3148G>A (p.Ala1050Thr)

Gene: DOCK2 (dedicator of cytokinesis 2; plus strand). Cytogenetic location: 5q35.1.
Variant type: single nucleotide variant.
Coding change: c.3148G>A on transcript NM_004946.3 (MANE Select); coding-DNA position 3148, G replaced by A.
Protein change: p.Ala1050Thr; replaces alanine 1050 with threonine.
Molecular consequence: missense variant. On other transcripts: non-coding transcript variant (1).
Genome position (GRCh38, 1-based): chr5:170,008,572, G>A. VCF-style: chr5-170008572-G-A. GRCh37 (hg19) VCF-style: chr5-169435576-G-A.
Other names: short protein forms A1050T.
Identifiers: ClinVar variation 847732 (VCV000847732.7), dbSNP rs529505036, ClinGen allele CA3554115.